The following is an entry in ClinVar:

NM_000487.6(ARSA):c.116dup (p.Cys40fs)

Gene: ARSA (arylsulfatase A; minus strand). Cytogenetic location: 22q13.33.
Variant type: Duplication.
Coding change: c.116dup on transcript NM_000487.6 (MANE Select); coding-DNA position 116, one base duplicated (G; older notation c.116dupG).
Protein change: p.Cys40fs; shifts the reading frame from cysteine 40.
Molecular consequence: frameshift variant. On other transcripts: intron variant (2).
Genome position (GRCh38, 1-based): chr22:50,627,664, C duplicated on the plus strand (G on the coding strand, the reverse complement: ARSA is on the minus strand); the first of 3 consecutive C bases (chr22:50,627,664-50,627,666); duplicating any one gives the same sequence. VCF-style (leftmost placement, unchanged base first): chr22-50627663-G-GC. GRCh37 (hg19) VCF-style: chr22-51066091-G-GC.
Other names: c.116dup, p.Cys40fs (NM_001085425.3, NM_001085426.3, NM_001085427.3); c.-34-258dup (NM_001362782.2, NM_001085428.3); short protein forms C40fs.
Identifiers: ClinVar variation 2017606 (VCV002017606.4), dbSNP rs2518336953, ClinGen allele CA2580100014.

ClinVar aggregate classification (germline): Pathogenic (1 of 4 stars; one submission).

Conditions:
Metachromatic leukodystrophy (MLD). Also called: METACHROMATIC LEUKOENCEPHALOPATHY; SULFATIDE LIPIDOSIS; Cerebral sclerosis diffuse metachromatic form; Arylsulfatase A Deficiency; ARSA DEFICIENCY; CEREBROSIDE SULFATASE DEFICIENCY. Identifiers: Orphanet 512, MedGen C0023522, MONDO:0018868, OMIM 250100.

Submission:

Labcorp Genetics (formerly Invitae), Labcorp
Classification: Pathogenic for Metachromatic leukodystrophy. Last evaluated: 2023-02-08. Review status: criteria provided, single submitter. Criteria: Invitae Variant Classification Sherloc (09022015). Collection method: clinical testing. Allele origin: germline.
Comment: For these reasons, this variant has been classified as Pathogenic. This variant has not been reported in the literature in individuals affected with ARSA-related conditions. This variant is not present in population databases (gnomAD no frequency). This sequence change creates a premature translational stop signal (p.Cys40Leufs*36) in the ARSA gene. It is expected to result in an absent or disrupted protein product. Loss-of-function variants in ARSA are known to be pathogenic (PMID: 8962139, 10477432).

Literature cited by the submitters: PubMed 8962139; PubMed 10477432.